The following is an entry in ClinVar:

NM_017617.5(NOTCH1):c.2805C>T (p.Pro935=)

Gene: NOTCH1 (notch receptor 1; minus strand). Cytogenetic location: 9q34.3.
Variant type: single nucleotide variant.
Coding change: c.2805C>T on transcript NM_017617.5 (MANE Select); coding-DNA position 2805, C replaced by T.
Protein change: p.Pro935=; no amino-acid change (proline 935 retained).
Molecular consequence: synonymous variant.
Genome position (GRCh38, 1-based): chr9:136,509,897, G>A on the plus strand (C>T on the coding strand, the complement: NOTCH1 is on the minus strand). VCF-style: chr9-136509897-G-A. GRCh37 (hg19) VCF-style: chr9-139404349-G-A.
Other names: p.Pro935=; c.2805C>T, p.Pro935= (LRG_1122t1).
Identifiers: ClinVar variation 510414 (VCV000510414.52), dbSNP rs200332386, ClinGen allele CA5341143.
Genomic context (GRCh38, chr9:136,509,897, plus strand): 5'-GCGGCAGGGGTCACTGGCACACTCGTTGATGTCCTCCTCACAGAAAGTGCCCCGGAAGCC[G>A]GGCAGGCAGTCGCAGAAGGCCGTGTTGATGCCGTCTGTGCAGGAGCCCCCGTTGTGACAC-3'
Protein context (NP_060087.3, residues 925-945): GINTAFCDCL[Pro935=]GFRGTFCEED

ClinVar aggregate classification (germline): Benign/Likely benign. Review status: criteria provided, multiple submitters, no conflicts (2 of 4 stars). 16 submissions from 15 submitters: Benign (1); Likely benign (11). 4 of the submissions do not count toward it. Last evaluated 2026-02-09.

Conditions:
Familial thoracic aortic aneurysm and aortic dissection (TAAD). Also called: Thoracic aortic aneurysms and dissections. Identifiers: Orphanet 91387, MedGen C4707243, MONDO:0019625.
Aortic valve disease 1 (AOVD1). Identifiers: MedGen C3887892, MONDO:0024523, OMIM 109730.
Adams-Oliver syndrome 5 (AOS5). Identifiers: Orphanet 974, MedGen C4014970, MONDO:0014459, OMIM 616028.

Allele frequency attached by ClinVar (database versions not stated): gnomAD 0.00011 and 0.00012; TOPMed 0.00012; ExAC 0.00013; gnomAD exomes 0.00014 and 0.00020.
gnomAD v4.1: 301 of 1,613,120 alleles (0.019%); highest among the groups gnomAD compares: Non-Finnish European, 0.024%; no homozygotes.

Submissions (16):

Women's Health and Genetics/Laboratory Corporation of America, LabCorp
Classification: Benign. Last evaluated: 2026-02-09. Review status: criteria provided, single submitter. Criteria: LabCorp Variant Classification Summary - May 2015. Collection method: clinical testing. Allele origin: germline.

Labcorp Genetics (formerly Invitae), Labcorp
Classification: Likely benign for Adams-Oliver syndrome 5. Last evaluated: 2026-01-11. Review status: criteria provided, single submitter. Criteria: Invitae Variant Classification Sherloc (09022015). Collection method: clinical testing. Allele origin: germline.

Mayo Clinic Laboratories, Mayo Clinic
Classification: Likely benign. Last evaluated: 2025-06-03. Review status: criteria provided, single submitter. Criteria: ACMG Guidelines, 2015. Collection method: clinical testing. Allele origin: germline. Observed: 1 variant allele.
Comment: BP4, BP7

Blueprint Genetics
Classification: Likely benign. Last evaluated: 2024-11-21. Review status: criteria provided, single submitter. Criteria: ACMG Guidelines, 2015. Collection method: clinical testing. Allele origin: germline.

ARUP Laboratories, Molecular Genetics and Genomics, ARUP Laboratories
Classification: Likely benign. Last evaluated: 2023-04-17. Review status: criteria provided, single submitter. Criteria: ARUP Molecular Germline Variant Investigation Process 2024. Collection method: clinical testing. Allele origin: germline.

CeGaT Center for Human Genetics Tuebingen
Classification: Likely benign. Last evaluated: 2023-01-01. Review status: criteria provided, single submitter. Criteria: CeGaT Center For Human Genetics Tuebingen Variant Classification Criteria Version 2. Collection method: clinical testing. Allele origin: germline. Affected: yes. Observed: 1 variant allele.
Comment: NOTCH1: BP4, BP7

Genome-Nilou Lab
Classification: Likely benign for Adams-Oliver syndrome 5. Last evaluated: 2022-03-15. Review status: criteria provided, single submitter. Criteria: ACMG Guidelines, 2015. Collection method: clinical testing. Allele origin: germline. Affected: no.

Genome-Nilou Lab
Classification: Likely benign for Aortic valve disease 1. Last evaluated: 2022-03-15. Review status: criteria provided, single submitter. Criteria: ACMG Guidelines, 2015. Collection method: clinical testing. Allele origin: germline. Affected: no.

Fulgent Genetics
Classification: Likely benign for Aortic valve disease 1; Adams-Oliver syndrome 5. Last evaluated: 2021-10-18. Review status: criteria provided, single submitter. Criteria: ACMG Guidelines, 2015. Collection method: clinical testing. Allele origin: unknown.

GeneDx
Classification: Likely benign. Last evaluated: 2021-04-28. Review status: criteria provided, single submitter. Criteria: GeneDx Variant Classification Process June 2021. Collection method: clinical testing. Allele origin: germline. Affected: yes.

CHEO Genetics Diagnostic Laboratory, Children's Hospital of Eastern Ontario
Classification: Likely benign for Familial thoracic aortic aneurysm and aortic dissection. Last evaluated: 2020-05-19. Review status: criteria provided, single submitter. Criteria: ACMG Guidelines, 2015. Collection method: clinical testing. Allele origin: germline.

Ambry Genetics
Classification: Likely benign for Familial thoracic aortic aneurysm and aortic dissection. Last evaluated: 2016-07-18. Review status: criteria provided, single submitter. Criteria: Ambry Variant Classification Scheme 2023. Collection method: clinical testing. Allele origin: germline.

Clinical Genetics DNA and cytogenetics Diagnostics Lab, Erasmus MC, Erasmus Medical Center
Classification: Likely benign. Review status: no assertion criteria provided. Collection method: clinical testing. Allele origin: germline. Affected: yes. Study: VKGL Data-share Consensus. Not counted in ClinVar's aggregate classification.

Genome Diagnostics Laboratory, Amsterdam University Medical Center
Classification: Likely benign. Review status: no assertion criteria provided. Collection method: clinical testing. Allele origin: germline. Affected: yes. Study: VKGL Data-share Consensus. Not counted in ClinVar's aggregate classification.

Genome Diagnostics Laboratory, University Medical Center Utrecht
Classification: Likely benign. Review status: no assertion criteria provided. Collection method: clinical testing. Allele origin: germline. Affected: yes. Study: VKGL Data-share Consensus. Not counted in ClinVar's aggregate classification.

Joint Genome Diagnostic Labs from Nijmegen and Maastricht, Radboudumc and MUMC+
Classification: Likely benign. Review status: no assertion criteria provided. Collection method: clinical testing. Allele origin: germline. Affected: yes. Study: VKGL Data-share Consensus. Not counted in ClinVar's aggregate classification.